The following is an entry in ClinVar:

NM_001130987.2(DYSF):c.4923C>A (p.Tyr1641Ter)

Gene: DYSF (dysferlin; plus strand). Cytogenetic location: 2p13.2.
Variant type: single nucleotide variant.
Coding change: c.4923C>A on transcript NM_001130987.2 (MANE Select); coding-DNA position 4923, C replaced by A.
Protein change: p.Tyr1641Ter; replaces tyrosine 1641 with a stop codon.
Molecular consequence: nonsense.
Genome position (GRCh38, 1-based): chr2:71,660,571, C>A. VCF-style: chr2-71660571-C-A. GRCh37 (hg19) VCF-style: chr2-71887701-C-A.
Other names: c.4809C>A, p.Tyr1603Ter (NM_001130455.2); c.4764C>A, p.Tyr1588Ter (NM_001130976.2); c.4827C>A, p.Tyr1609Ter (NM_001130977.2); c.4869C>A, p.Tyr1623Ter (NM_001130978.2); c.4899C>A, p.Tyr1633Ter (NM_001130979.2); c.4857C>A, p.Tyr1619Ter (NM_001130980.2); c.4920C>A, p.Tyr1640Ter (NM_001130981.2); c.4902C>A, p.Tyr1634Ter (NM_001130982.2); and 5 more; short protein forms Y1588*, Y1589*, Y1602*, Y1603*, Y1609*, Y1610*, Y1619*, Y1620*.
Identifiers: ClinVar variation 1724499 (VCV001724499.6), dbSNP rs376679461, ClinGen allele CA347219957.

ClinVar aggregate classification (germline): Pathogenic/Likely pathogenic. Review status: criteria provided, multiple submitters, no conflicts (2 of 4 stars). 2 submissions from 2 submitters: Pathogenic (1); Likely pathogenic (1). Last evaluated 2023-05-19.

Conditions:
Autosomal recessive limb-girdle muscular dystrophy. Identifiers: Orphanet 102015, MedGen C2931907, MONDO:0015152.
Neuromuscular disease caused by qualitative or quantitative defects of dysferlin. Also called: Dysferlinopathy; Qualitative or quantitative defects of dysferlin. Identifiers: Orphanet 207073, MedGen C2931687, MONDO:0016145.

Submissions (2):

Labcorp Genetics (formerly Invitae), Labcorp
Classification: Pathogenic for Neuromuscular disease caused by qualitative or quantitative defects of dysferlin. Last evaluated: 2023-05-19. Review status: criteria provided, single submitter. Criteria: Invitae Variant Classification Sherloc (09022015). Collection method: clinical testing. Allele origin: germline.
Comment: Algorithms developed to predict the effect of sequence changes on RNA splicing suggest that this variant may disrupt the consensus splice site. For these reasons, this variant has been classified as Pathogenic. ClinVar contains an entry for this variant (Variation ID: 1724499). This variant has not been reported in the literature in individuals affected with DYSF-related conditions. This variant is not present in population databases (gnomAD no frequency). This sequence change creates a premature translational stop signal (p.Tyr1602*) in the DYSF gene. It is expected to result in an absent or disrupted protein product. Loss-of-function variants in DYSF are known to be pathogenic (PMID: 17698709, 20301480).

Myriad Genetics, Inc.
Classification: Likely pathogenic for Autosomal recessive limb-girdle muscular dystrophy. Last evaluated: 2022-02-17. Review status: criteria provided, single submitter. Criteria: Myriad Autosomal Dominant, Autosomal Recessive and X-Linked Classification Criteria (2023). Collection method: clinical testing. Allele origin: unknown.
Comment: NM_003494.3(DYSF):c.4806C>A(Y1602*) is expected to be pathogenic in the context of dysferlinopathy. This variant is predicted to lead to an abnormal or absent protein product due to the creation of a premature termination codon in DYSF, a gene where loss-of-function variants are known to be pathogenic. Please note: this variant was assessed in the context of healthy population screening.

Literature cited by the submitters: PubMed 17698709 (cited by Labcorp Genetics (formerly Invitae), Labcorp); PubMed 20301480 (cited by Labcorp Genetics (formerly Invitae), Labcorp).